The following is an entry in ClinVar:

NM_130398.4(EXO1):c.745G>A (p.Asp249Asn)

Gene: EXO1 (exonuclease 1; plus strand). Cytogenetic location: 1q43.
Variant type: single nucleotide variant.
Coding change: c.745G>A on transcript NM_130398.4 (MANE Select); coding-DNA position 745, G replaced by A.
Protein change: p.Asp249Asn; replaces aspartic acid 249 with asparagine.
Molecular consequence: missense variant.
Genome position (GRCh38, 1-based): chr1:241,858,707, G>A. VCF-style: chr1-241858707-G-A. GRCh37 (hg19) VCF-style: chr1-242022009-G-A.
Other names: c.745G>A, p.Asp249Asn (NM_001319224.2, NM_003686.4, NM_006027.4); short protein forms D249N.
Identifiers: ClinVar variation 3033692 (VCV003033692.3), dbSNP rs61750993, ClinGen allele CA1481139.

ClinVar aggregate classification (germline): Likely benign. Review status: criteria provided, single submitter (1 of 4 stars). 2 submissions from 2 submitters: Likely benign (1). 1 of the submissions does not count toward it. Last evaluated 2024-11-21.

Conditions:
EXO1-related disorder. Also called: EXO1-related condition.

Allele frequency attached by ClinVar (database versions not stated): 1000 Genomes Project 30x 0.00078; 1000 Genomes Project 0.00080; gnomAD 0.00219; TOPMed 0.00234; ExAC 0.00279; ESP Exome Variant Server 0.00331; gnomAD exomes 0.00373.
gnomAD v4.1: 5,684 of 1,609,166 alleles (0.35%); highest among the groups gnomAD compares: Non-Finnish European, 0.45%; 12 homozygotes.

Submissions (2):

Blueprint Genetics
Classification: Likely benign. Last evaluated: 2024-11-21. Review status: criteria provided, single submitter. Criteria: ACMG Guidelines, 2015. Collection method: clinical testing. Allele origin: germline.

PreventionGenetics, part of Exact Sciences
Classification: Likely benign for EXO1-related condition. Last evaluated: 2020-05-21. Review status: no assertion criteria provided. Collection method: clinical testing. Allele origin: germline. Not counted in ClinVar's aggregate classification.
Comment: This variant is classified as likely benign based on ACMG/AMP sequence variant interpretation guidelines (Richards et al. 2015 PMID: 25741868, with internal and published modifications).